The following is an entry in ClinVar:

NM_000492.4(CFTR):c.3626A>G (p.Gln1209Arg)

Genes: CFTR (CF transmembrane conductance regulator; plus strand), CFTR-AS2 (CFTR antisense RNA 2; minus strand). Cytogenetic location: 7q31.2.
Variant type: single nucleotide variant.
Coding change: c.3626A>G on transcript NM_000492.4 (MANE Select); coding-DNA position 3626, A replaced by G.
Protein change: p.Gln1209Arg; replaces glutamine 1209 with arginine.
Molecular consequence: missense variant.
Genome position (GRCh38, 1-based): chr7:117,627,679, A>G. VCF-style: chr7-117627679-A-G. GRCh37 (hg19) VCF-style: chr7-117267733-A-G.
Other names: short protein forms Q1209R.
Identifiers: ClinVar variation 5034434 (VCV005034434.1).

ClinVar aggregate classification (germline): Uncertain significance (1 of 4 stars; one submission).

Conditions:
Cystic fibrosis (CF). Also called: MUCOVISCIDOSIS. Identifiers: Orphanet 586, MedGen C0010674, MONDO:0009061, OMIM 219700. Disease mechanism: loss of function.

Submission:

Ambry Genetics
Classification: Uncertain significance for Cystic fibrosis. Last evaluated: 2026-07-05. Review status: criteria provided, single submitter. Criteria: Ambry Variant Classification Scheme 2023. Collection method: clinical testing. Allele origin: germline.
Comment: The p.Q1209R variant (also known as c.3626A>G), located in coding exon 22 of the CFTR gene, results from an A to G substitution at nucleotide position 3626. The glutamine at codon 1209 is replaced by arginine, an amino acid with highly similar properties. This amino acid position is conserved. In addition, the in silico prediction for this alteration is inconclusive. Based on the available evidence, the clinical significance of this variant remains unclear.